The following is an entry in ClinVar:

ClinVar aggregate classification (germline): Uncertain significance (1 of 4 stars; one submission).

Conditions:
Primary ciliary dyskinesia 6. Also called: Primary Ciliary Dyskinesia 6: TXNDC3-Related Primary Ciliary Dyskinesia. Identifiers: Orphanet 244, MedGen C1970506, MONDO:0012571, OMIM 610852.

Allele frequency attached by ClinVar (database versions not stated): gnomAD exomes below 0.00001; TOPMed below 0.00001; ExAC 0.00001.

Submission:

Labcorp Genetics (formerly Invitae), Labcorp
Classification: Uncertain significance for Primary ciliary dyskinesia 6. Last evaluated: 2023-12-12. Review status: criteria provided, single submitter. Criteria: Invitae Variant Classification Sherloc (09022015). Collection method: clinical testing. Allele origin: germline.
Comment: This sequence change replaces valine, which is neutral and non-polar, with alanine, which is neutral and non-polar, at codon 500 of the NME8 protein (p.Val500Ala). This variant is present in population databases (rs759329851, gnomAD 0.0009%). This variant has not been reported in the literature in individuals affected with NME8-related conditions. Advanced modeling of protein sequence and biophysical properties (such as structural, functional, and spatial information, amino acid conservation, physicochemical variation, residue mobility, and thermodynamic stability) performed at Invitae indicates that this missense variant is not expected to disrupt NME8 protein function with a negative predictive value of 80%. In summary, the available evidence is currently insufficient to determine the role of this variant in disease. Therefore, it has been classified as a Variant of Uncertain Significance.

NM_016616.5(NME8):c.1499T>C (p.Val500Ala)

Gene: NME8 (NME/NM23 family member 8; plus strand). Cytogenetic location: 7p14.1.
Variant type: single nucleotide variant.
Coding change: c.1499T>C on transcript NM_016616.5 (MANE Select); coding-DNA position 1499, T replaced by C.
Protein change: p.Val500Ala; replaces valine 500 with alanine.
Molecular consequence: missense variant.
Genome position (GRCh38, 1-based): chr7:37,894,565, T>C. VCF-style: chr7-37894565-T-C. GRCh37 (hg19) VCF-style: chr7-37934167-T-C.
Other names: short protein forms V500A.
Identifiers: ClinVar variation 3011000 (VCV003011000.3), dbSNP rs759329851, ClinGen allele CA4222543.